The following is an entry in ClinVar:

NM_000088.4(COL1A1):c.3451G>A (p.Gly1151Ser)

Gene: COL1A1 (collagen type I alpha 1 chain; minus strand). Cytogenetic location: 17q21.33.
Variant type: single nucleotide variant.
Coding change: c.3451G>A on transcript NM_000088.4 (MANE Select); coding-DNA position 3451, G replaced by A.
Protein change: p.Gly1151Ser; replaces glycine 1151 with serine.
Molecular consequence: missense variant.
Genome position (GRCh38, 1-based): chr17:50,187,095, C>T on the plus strand (G>A on the coding strand, the complement: COL1A1 is on the minus strand). VCF-style: chr17-50187095-C-T. GRCh37 (hg19) VCF-style: chr17-48264456-C-T.
Other names: short protein forms G1151S.
Identifiers: ClinVar variation 854172 (VCV000854172.11), dbSNP rs72656320, ClinGen allele CA291542913.

ClinVar aggregate classification (germline): Pathogenic. Review status: criteria provided, multiple submitters, no conflicts (2 of 4 stars). 2 submissions from 2 submitters: Pathogenic (2). Last evaluated 2023-12-26.

Conditions:
Osteogenesis imperfecta type I (OI1). Also called: OI, TYPE I; OSTEOGENESIS IMPERFECTA TARDA; OSTEOGENESIS IMPERFECTA WITH BLUE SCLERAE; Osteogenesis imperfecta type 1; Lobstein disease; Classic Non-deforming Osteogenesis Imperfecta with Blue Sclerae. Identifiers: Orphanet 216796, Orphanet 666, MedGen C0023931, MONDO:0008146, OMIM 166200. Disease mechanism: loss of function.

Submissions (2):

Revvity Omics, Revvity
Classification: Pathogenic. Last evaluated: 2023-12-26. Review status: criteria provided, single submitter. Criteria: ACMG Guidelines, 2015. Collection method: clinical testing. Allele origin: germline.

Labcorp Genetics (formerly Invitae), Labcorp
Classification: Pathogenic for Osteogenesis imperfecta type I. Last evaluated: 2019-01-13. Review status: criteria provided, single submitter. Criteria: Invitae Variant Classification Sherloc (09022015). Collection method: clinical testing. Allele origin: germline.
Comment: Glycine residues within the Gly-Xaa-Yaa repeats of the triple helix domain are required for the structure and stability of fibrillar collagens (PMID: 7695699, 8218237, 19344236). In COL1A1, missense variants at these glycine residues are significantly enriched in individuals with disease (PMID: 9016532, 17078022) compared to the general population (ExAC). This sequence change replaces glycine with serine at codon 1151 of the COL1A1 protein (p.Gly1151Ser). The glycine residue is highly conserved and there is a small physicochemical difference between glycine and serine. This variant is not present in population databases (ExAC no frequency). This variant has been observed in individuals affected with osteogenesis imperfecta type 3 or 4 (PMID: 27509835). This variant is also known as Gly973Ser in the literature. For these reasons, this variant has been classified as Pathogenic.

Literature cited by the submitters: PubMed 7695699 (cited by Labcorp Genetics (formerly Invitae), Labcorp); PubMed 8218237 (cited by Labcorp Genetics (formerly Invitae), Labcorp); PubMed 19344236 (cited by Labcorp Genetics (formerly Invitae), Labcorp); PubMed 9016532 (cited by Labcorp Genetics (formerly Invitae), Labcorp); PubMed 17078022 (cited by Labcorp Genetics (formerly Invitae), Labcorp); PubMed 27509835 (cited by Labcorp Genetics (formerly Invitae), Labcorp).